The following is an entry in ClinVar:

GRCh37/hg19 13q22.1-31.3(chr13:74459395-93481294)x1

Genes: MYCBP2 (MYC binding protein 2; minus strand), NDFIP2 (Nedd4 family interacting protein 2; plus strand), OBI1 (ORC ubiquitin ligase 1; minus strand), POU4F1 (POU class 4 homeobox 1; minus strand), RBM26 (RNA binding motif protein 26; minus strand) and 28 more. Cytogenetic location: 13q22.1-31.3.
Variant type: copy number loss.
Change: copy number 1 (one copy instead of two) of chr13:74,459,395-93,481,294 (19.02 Mb, GRCh37 coordinates, 1-based), cytogenetic band 13q22.1-31.3.
Identifiers: ClinVar variation 503586 (VCV000503586.3).

ClinVar aggregate classification (germline): Pathogenic (1 of 4 stars; one submission).

Submission:

Clinical Genomics Laboratory, Laboratory for Precision Diagnostics, University of Washington
Classification: Pathogenic. Last evaluated: 2017-09-26. Review status: criteria provided, single submitter. Criteria: Clinical Cytogenomics Laboratory Policy on CNV Interpretation. Collection method: clinical testing. Allele origin: unknown. Affected: yes. Observed: 1 variant allele.

Literature cited by the submitters: PubMed 21892160; PubMed 25391829; PubMed 26360630; PubMed 19363806; PubMed 25118007; PubMed 26365529; PubMed 10528251; PubMed 19764031.